The following is an entry in ClinVar:

NM_001330691.3(CEP78):c.1221C>G (p.Ile407Met)

Gene: CEP78 (centrosomal protein 78; plus strand). Cytogenetic location: 9q21.2.
Variant type: single nucleotide variant.
Coding change: c.1221C>G on transcript NM_001330691.3 (MANE Select); coding-DNA position 1221, C replaced by G.
Protein change: p.Ile407Met; replaces isoleucine 407 with methionine.
Molecular consequence: missense variant.
Genome position (GRCh38, 1-based): chr9:78,253,247, C>G. VCF-style: chr9-78253247-C-G. GRCh37 (hg19) VCF-style: chr9-80868163-C-G.
Other names: c.1224C>G, p.Ile408Met (NM_001098802.3, NM_001349839.2, NM_001349840.2 and 1 more transcripts); c.1221C>G, p.Ile407Met (NM_001330693.3, NM_001330694.2, NM_001349838.2); short protein forms I408M, I407M.
Identifiers: ClinVar variation 849759 (VCV000849759.9), dbSNP rs1826849355, ClinGen allele CA373860152.

ClinVar aggregate classification (germline): Uncertain significance (1 of 4 stars; one submission).

gnomAD v4.1: 2 of 1,379,940 alleles (0.00014%); highest among the groups gnomAD compares: Middle Eastern, 0.018%; no homozygotes.

Submission:

Labcorp Genetics (formerly Invitae), Labcorp
Classification: Uncertain significance. Last evaluated: 2019-12-04. Review status: criteria provided, single submitter. Criteria: Invitae Variant Classification Sherloc (09022015). Collection method: clinical testing. Allele origin: germline.
Comment: This variant is not present in population databases (ExAC no frequency). In summary, the available evidence is currently insufficient to determine the role of this variant in disease. Therefore, it has been classified as a Variant of Uncertain Significance. Algorithms developed to predict the effect of missense changes on protein structure and function (SIFT, PolyPhen-2, Align-GVGD) all suggest that this variant is likely to be tolerated, but these predictions have not been confirmed by published functional studies and their clinical significance is uncertain. This variant has not been reported in the literature in individuals with CEP78-related conditions. This sequence change replaces isoleucine with methionine at codon 408 of the CEP78 protein (p.Ile408Met). The isoleucine residue is moderately conserved and there is a small physicochemical difference between isoleucine and methionine.